The following is an entry in ClinVar:

ClinVar aggregate classification (germline): Conflicting classifications of pathogenicity. Review status: criteria provided, conflicting classifications (1 of 4 stars). 6 submissions from 6 submitters: Uncertain significance (5); Likely benign (1). Last evaluated 2026-01-13.

Conditions:
Inborn genetic diseases. Identifiers: MedGen C0950123, MeSH D030342.
Fanconi anemia complementation group D2. Also called: FANCD2-Related Fanconi Anemia; FANCONI PANCYTOPENIA, TYPE 4; FANCONI ANEMIA, COMPLEMENTATION GROUP D. Identifiers: Orphanet 84, MedGen C3160738, MONDO:0009214, OMIM 227646.
Fanconi anemia (FA). Also called: Fanconi's anemia. Identifiers: Orphanet 84, MedGen C0015625, MeSH D005199, MONDO:0019391.

Allele frequency attached by ClinVar (database versions not stated): gnomAD exomes 0.00003 and 0.00012; ExAC 0.00013; ESP Exome Variant Server 0.00046; TOPMed 0.00047; 1000 Genomes Project 0.00020; 1000 Genomes Project 30x 0.00016; gnomAD 0.00051 and 0.00057.
gnomAD v4.1: 123 of 1,613,180 alleles (0.0076%); highest among the groups gnomAD compares: African/African-American, 0.15%; no homozygotes.

Submissions (6):

Labcorp Genetics (formerly Invitae), Labcorp
Classification: Likely benign for Fanconi anemia. Last evaluated: 2026-01-13. Review status: criteria provided, single submitter. Criteria: Invitae Variant Classification Sherloc (09022015). Collection method: clinical testing. Allele origin: germline.

GeneDx
Classification: Uncertain significance. Last evaluated: 2023-11-28. Review status: criteria provided, single submitter. Criteria: GeneDx Variant Classification Process June 2021. Collection method: clinical testing. Allele origin: germline. Affected: yes.
Comment: In silico analysis supports that this missense variant does not alter protein structure/function; Has not been previously published as pathogenic or benign to our knowledge

Fulgent Genetics
Classification: Uncertain significance for Fanconi anemia complementation group D2. Last evaluated: 2022-04-14. Review status: criteria provided, single submitter. Criteria: ACMG Guidelines, 2015. Collection method: clinical testing. Allele origin: unknown.

Sema4
Classification: Uncertain significance for Fanconi anemia. Last evaluated: 2022-01-26. Review status: criteria provided, single submitter. Criteria: Sema4 Curation Guidelines. Collection method: curation. Allele origin: germline.
Comment: To the best of our knowledge, the FANCD2 c.3877G>A (p.V1293I) variant has not been reported in individuals with FANCD2-related disease. This variant was observed in 39/24968 chromosomes in the African/African American subpopulation, according to the Genome Aggregation Database (PMID: 32461654). This variant has not been reported in ClinVar. In silico tools suggest the impact of the variant on protein function is benign, though these predictions have not been confirmed by functional studies. The evidence is insufficient to meet ACMG/AMP criteria for classifying the variant as benign or pathogenic. Thus, the clinical significance of this variant is currently uncertain.

Ambry Genetics
Classification: Uncertain significance for Inborn genetic diseases. Last evaluated: 2021-07-15. Review status: criteria provided, single submitter. Criteria: Ambry Variant Classification Scheme 2023. Collection method: clinical testing. Allele origin: germline.

Breakthrough Genomics
Classification: Uncertain significance. Review status: criteria provided, single submitter. Criteria: ACMG Guidelines, 2015. Collection method: not provided. Allele origin: germline. Inheritance: Autosomal recessive inheritance. Affected: yes.

NM_001018115.3(FANCD2):c.3877G>A (p.Val1293Ile)

Genes: FANCD2 (FA complementation group D2; plus strand), FANCD2OS (FANCD2 opposite strand; minus strand). Cytogenetic location: 3p25.3.
Variant type: single nucleotide variant.
Coding change: c.3877G>A on transcript NM_001018115.3 (MANE Select); coding-DNA position 3877, G replaced by A.
Protein change: p.Val1293Ile; replaces valine 1293 with isoleucine.
Molecular consequence: missense variant. On other transcripts: intron variant (2).
Genome position (GRCh38, 1-based): chr3:10,093,312, G>A. VCF-style: chr3-10093312-G-A. GRCh37 (hg19) VCF-style: chr3-10134996-G-A.
Other names: c.3877G>A, p.Val1293Ile (NM_001319984.2, NM_033084.6); c.3766G>A, p.Val1256Ile (NM_001374253.1); c.3850-977G>A (NM_001374254.1); c.*43+10886C>T (NM_173472.2); short protein forms V1293I, V1256I.
Identifiers: ClinVar variation 1442308 (VCV001442308.10), dbSNP rs138398760, ClinGen allele CA2250550.